The following is an entry in ClinVar:

NM_001127222.2(CACNA1A):c.4591-5C>A

Gene: CACNA1A (calcium voltage-gated channel subunit alpha1 A; minus strand). Cytogenetic location: 19p13.13.
Variant type: single nucleotide variant.
Coding change: c.4591-5C>A on transcript NM_001127222.2 (MANE Select); 5 bases into the intron before coding-DNA position 4591, C replaced by A.
Molecular consequence: intron variant.
Genome position (GRCh38, 1-based): chr19:13,255,264, G>T on the plus strand (C>A on the coding strand, the complement: CACNA1A is on the minus strand). VCF-style: chr19-13255264-G-T. GRCh37 (hg19) VCF-style: chr19-13366078-G-T.
Other names: c.4594-5C>A (NM_001127221.2, NM_001174080.2); c.4603-5C>A (NM_000068.4, NM_023035.3).
Identifiers: ClinVar variation 2231441 (VCV002231441.3), dbSNP rs199631921, ClinGen allele CA2580096602.
Genomic context (GRCh38, chr19:13,255,264, plus strand): 5'-TGCGGCATGTGTCGGGTCAGCGGCTTGGCGCTGATGGCGAAATCAATGCAGGCCCTCTGC[G>T]GGAGAGAGGCCAGTGGTGAGAGCGGCAGAGGCAGGAGGAAGGTGGCTGTACACCGGGCAC-3'

ClinVar aggregate classification (germline): Uncertain significance. Review status: criteria provided, multiple submitters, no conflicts (2 of 4 stars). 2 submissions from 2 submitters: Uncertain significance (2). Last evaluated 2022-01-20.

Conditions:
Inborn genetic diseases. Identifiers: MedGen C0950123, MeSH D030342.

Submissions (2):

Blueprint Genetics
Classification: Uncertain significance. Last evaluated: 2022-01-20. Review status: criteria provided, single submitter. Criteria: ACMG Guidelines, 2015. Collection method: clinical testing. Allele origin: germline.

Ambry Genetics
Classification: Uncertain significance for Inborn genetic diseases. Last evaluated: 2021-06-18. Review status: criteria provided, single submitter. Criteria: Ambry Variant Classification Scheme 2023. Collection method: clinical testing. Allele origin: germline.
Comment: The c.4594-5C>A intronic alteration consists of a C to A substitution 5 nucleotides before coding exon 29 in the CACNA1A gene. Based on insufficient or conflicting evidence, the clinical significance of this alteration remains unclear.